The following is an entry in ClinVar:

NM_001401501.2(MUC16):c.42745G>A (p.Asp14249Asn)

Gene: MUC16 (mucin 16, cell surface associated; minus strand). Cytogenetic location: 19p13.2.
Variant type: single nucleotide variant.
Coding change: c.42745G>A on transcript NM_001401501.2 (MANE Select); coding-DNA position 42745, G replaced by A.
Protein change: p.Asp14249Asn; replaces aspartic acid 14249 with asparagine.
Molecular consequence: missense variant.
Genome position (GRCh38, 1-based): chr19:8,891,921, C>T on the plus strand (G>A on the coding strand, the complement: MUC16 is on the minus strand). VCF-style: chr19-8891921-C-T. GRCh37 (hg19) VCF-style: chr19-9002597-C-T.
Other names: c.43171G>A, p.Asp14391Asn (NM_001414686.1); c.42625G>A, p.Asp14209Asn (NM_001414687.1); c.40219G>A, p.Asp13407Asn (NM_024690.2); short protein forms D13407N, D14209N, D14249N, D14391N.
Identifiers: ClinVar variation 3059671 (VCV003059671.2), dbSNP rs758360332, ClinGen allele CA9163503.

ClinVar aggregate classification (germline): Benign (0 of 4 stars; one submission).

Conditions:
MUC16-related disorder. Also called: MUC16-related condition.

Allele frequency attached by ClinVar (database versions not stated): 1000 Genomes Project 30x 0.07901; ExAC 0.39468.

Submission:

PreventionGenetics, part of Exact Sciences
Classification: Benign for MUC16-related condition. Last evaluated: 2019-10-18. Review status: no assertion criteria provided. Collection method: clinical testing. Allele origin: germline.
Comment: This variant is classified as benign based on ACMG/AMP sequence variant interpretation guidelines (Richards et al. 2015 PMID: 25741868, with internal and published modifications).